The following is an entry in ClinVar:

ClinVar aggregate classification (germline): Uncertain significance. Review status: criteria provided, multiple submitters, no conflicts (2 of 4 stars). 2 submissions from 2 submitters: Uncertain significance (2). Last evaluated 2023-10-19.

Conditions:
Charcot-Marie-Tooth disease axonal type 2O. Also called: Charcot-Marie-Tooth disease, axonal, type 20; CHARCOT-MARIE-TOOTH NEUROPATHY, AXONAL, TYPE 2O; CHARCOT-MARIE-TOOTH DISEASE, AXONAL, AUTOSOMAL DOMINANT, TYPE 2O; Charcot-Marie-Tooth Neuropathy Type 2O. Identifiers: Orphanet 284232, MedGen C3280220, MONDO:0013644, OMIM 614228.

Submissions (2):

Labcorp Genetics (formerly Invitae), Labcorp
Classification: Uncertain significance for Charcot-Marie-Tooth disease axonal type 2O. Last evaluated: 2023-10-19. Review status: criteria provided, single submitter. Criteria: Invitae Variant Classification Sherloc (09022015). Collection method: clinical testing. Allele origin: germline.
Comment: This sequence change replaces leucine, which is neutral and non-polar, with histidine, which is basic and polar, at codon 756 of the DYNC1H1 protein (p.Leu756His). This variant is not present in population databases (gnomAD no frequency). This variant has not been reported in the literature in individuals affected with DYNC1H1-related conditions. Advanced modeling of protein sequence and biophysical properties (such as structural, functional, and spatial information, amino acid conservation, physicochemical variation, residue mobility, and thermodynamic stability) performed at Invitae indicates that this missense variant is expected to disrupt DYNC1H1 protein function. In summary, the available evidence is currently insufficient to determine the role of this variant in disease. Therefore, it has been classified as a Variant of Uncertain Significance.

Blueprint Genetics
Classification: Uncertain significance. Last evaluated: 2019-10-14. Review status: criteria provided, single submitter. Criteria: ACMG Guidelines, 2015. Collection method: clinical testing. Allele origin: germline.

NM_001376.5(DYNC1H1):c.2267T>A (p.Leu756His)

Gene: DYNC1H1 (dynein cytoplasmic 1 heavy chain 1; plus strand). Cytogenetic location: 14q32.31.
Variant type: single nucleotide variant.
Coding change: c.2267T>A on transcript NM_001376.5 (MANE Select); coding-DNA position 2267, T replaced by A.
Protein change: p.Leu756His; replaces leucine 756 with histidine.
Molecular consequence: missense variant.
Genome position (GRCh38, 1-based): chr14:101,986,492, T>A. VCF-style: chr14-101986492-T-A. GRCh37 (hg19) VCF-style: chr14-102452829-T-A.
Other names: short protein forms L756H.
Identifiers: ClinVar variation 2806805 (VCV002806805.4), dbSNP rs2503695859, ClinGen allele CA391022424.